The following is an entry in ClinVar:

ClinVar aggregate classification (germline): Uncertain significance (1 of 4 stars; one submission).

Conditions:
SH2B1-related disorder. Also called: SH2B1-related condition.

gnomAD v4.1: 12 of 1,542,264 alleles (0.00078%); highest among the groups gnomAD compares: Non-Finnish European, 0.0009%; no homozygotes.

Submission:

PreventionGenetics, part of Exact Sciences
Classification: Uncertain significance for SH2B1-related condition. Last evaluated: 2024-11-12. Review status: criteria provided, single submitter. Criteria: ACMG Guidelines, 2015. Collection method: clinical testing. Allele origin: germline.
Comment: The SH2B1 c.1423C>T variant is predicted to result in the amino acid substitution p.Arg475Cys. This variant was reported as a de novo variant in a study of individuals with autism spectrum disorder (Supplementary Data 1, Zhou et al. 2022. PubMed ID: 35982159). This variant is reported in 0.0097% of alleles in individuals of Ashkenazi Jewish descent in gnomAD. At this time, the clinical significance of this variant is uncertain due to the absence of conclusive functional and genetic evidence.

NM_001387430.1(SH2B1):c.1423C>T (p.Arg475Cys)

Gene: SH2B1 (SH2B adaptor protein 1; plus strand). Cytogenetic location: 16p11.2.
Variant type: single nucleotide variant.
Coding change: c.1423C>T on transcript NM_001387430.1 (MANE Select); coding-DNA position 1423, C replaced by T.
Protein change: p.Arg475Cys; replaces arginine 475 with cysteine.
Molecular consequence: missense variant.
Genome position (GRCh38, 1-based): chr16:28,871,893, C>T. VCF-style: chr16-28871893-C-T. GRCh37 (hg19) VCF-style: chr16-28883214-C-T.
Other names: c.1423C>T, p.Arg475Cys (NM_001145795.2, NM_001145796.2, NM_001145797.2 and 4 more transcripts); c.415C>T, p.Arg139Cys (NM_001308294.2); short protein forms R139C, R475C.
Identifiers: ClinVar variation 4985602 (VCV004985602.1).